The following is an entry in ClinVar:

ClinVar aggregate classification (germline): Likely pathogenic (1 of 4 stars; one submission).

Conditions:
PKD2-related disorder. Also called: PKD2-related condition.

Submission:

PreventionGenetics, part of Exact Sciences
Classification: Likely pathogenic for PKD2-related condition. Last evaluated: 2025-10-13. Review status: criteria provided, single submitter. Criteria: ACMG Guidelines, 2015. Collection method: clinical testing. Allele origin: germline.
Comment: The PKD2 c.1134_1135insA variant is predicted to result in a frameshift and premature protein termination (p.His379Thrfs*9). To our knowledge, this variant has not been reported in the literature or in a large population database (gnomAD), indicating this variant is rare. Frameshift variants in PKD2 are expected to be pathogenic. This variant is interpreted as likely pathogenic.

NM_000297.4(PKD2):c.1134_1135insA (p.His379fs)

Gene: PKD2 (polycystin 2, transient receptor potential cation channel; plus strand). Cytogenetic location: 4q22.1.
Variant type: Insertion.
Coding change: c.1134_1135insA on transcript NM_000297.4 (MANE Select); coding-DNA positions 1134 to 1135, A inserted.
Protein change: p.His379fs; shifts the reading frame from histidine 379.
Molecular consequence: frameshift variant. On other transcripts: non-coding transcript variant (1), intron variant (1).
Genome position: GRCh38 VCF-style: chr4-88043272-C-CA. GRCh37 (hg19) VCF-style: chr4-88964424-C-CA.
Other names: c.1095-3370_1095-3369insA (NM_001440544.1); short protein forms H379fs.
Identifiers: ClinVar variation 4995977 (VCV004995977.1).